The following is an entry in ClinVar:

NM_031924.8(RSPH3):c.-185G>A

Gene: RSPH3 (radial spoke head 3; minus strand). Cytogenetic location: 6q25.3.
Variant type: single nucleotide variant.
Coding change: c.-185G>A on transcript NM_031924.8 (MANE Select); 185 bases upstream of the start codon, G replaced by A.
Molecular consequence: 5 prime UTR variant. On other transcripts: missense variant (1), non-coding transcript variant (1).
Genome position (GRCh38, 1-based): chr6:158,999,735, C>T on the plus strand (G>A on the coding strand, the complement: RSPH3 is on the minus strand). VCF-style: chr6-158999735-C-T. GRCh37 (hg19) VCF-style: chr6-159420767-C-T.
Other names: c.242G>A, p.Ser81Asn (NM_001346418.1); short protein forms S81N.
Identifiers: ClinVar variation 579646 (VCV000579646.9), dbSNP rs1335094606, ClinGen allele CA366285557.

ClinVar aggregate classification (germline): Uncertain significance. Review status: criteria provided, multiple submitters, no conflicts (2 of 4 stars). 2 submissions from 2 submitters: Uncertain significance (2). Last evaluated 2025-02-14.

Conditions:
Inborn genetic diseases. Identifiers: MedGen C0950123, MeSH D030342.
Primary ciliary dyskinesia 32. Also called: CILIARY DYSKINESIA, PRIMARY, 32, WITHOUT SITUS INVERSUS. Identifiers: Orphanet 244, MedGen C4225311, MONDO:0014657, OMIM 616481.

Allele frequency attached by ClinVar (database versions not stated): gnomAD exomes 0.00001; TOPMed 0.00002; gnomAD 0.00003 and 0.00004.

Submissions (2):

Ambry Genetics
Classification: Uncertain significance for Inborn genetic diseases. Last evaluated: 2025-02-14. Review status: criteria provided, single submitter. Criteria: Ambry Variant Classification Scheme 2023. Collection method: clinical testing. Allele origin: germline.

Labcorp Genetics (formerly Invitae), Labcorp
Classification: Uncertain significance for Primary ciliary dyskinesia 32. Last evaluated: 2022-07-20. Review status: criteria provided, single submitter. Criteria: Invitae Variant Classification Sherloc (09022015). Collection method: clinical testing. Allele origin: germline.
Comment: In summary, the available evidence is currently insufficient to determine the role of this variant in disease. Therefore, it has been classified as a Variant of Uncertain Significance. Algorithms developed to predict the effect of missense changes on protein structure and function output the following: SIFT: "Tolerated"; PolyPhen-2: "Benign"; Align-GVGD: "Class C0". The asparagine amino acid residue is found in multiple mammalian species, which suggests that this missense change does not adversely affect protein function. ClinVar contains an entry for this variant (Variation ID: 579646). This variant has not been reported in the literature in individuals affected with RSPH3-related conditions. This variant is present in population databases (no rsID available, gnomAD 0.006%). This sequence change replaces serine, which is neutral and polar, with asparagine, which is neutral and polar, at codon 81 of the RSPH3 protein (p.Ser81Asn).